The following is an entry in ClinVar:

ClinVar aggregate classification (germline): Uncertain significance (1 of 4 stars; one submission).

Submission:

Labcorp Genetics (formerly Invitae), Labcorp
Classification: Uncertain significance. Last evaluated: 2024-04-07. Review status: criteria provided, single submitter. Criteria: Invitae Variant Classification Sherloc (09022015). Collection method: clinical testing. Allele origin: germline.
Comment: This sequence change creates a premature translational stop signal (p.Ile238Phefs*7) in the CEP97 gene. It is expected to result in an absent or disrupted protein product. However, the current clinical and genetic evidence is not sufficient to establish whether loss-of-function variants in CEP97 cause disease. This variant is not present in population databases (gnomAD no frequency). This variant has not been reported in the literature in individuals affected with CEP97-related conditions. In summary, the available evidence is currently insufficient to determine the role of this variant in disease. Therefore, it has been classified as a Variant of Uncertain Significance.

NM_024548.4(CEP97):c.712del (p.Ile238fs)

Gene: CEP97 (centrosomal protein 97; plus strand). Cytogenetic location: 3q12.3.
Variant type: Deletion.
Coding change: c.712del on transcript NM_024548.4 (MANE Select); coding-DNA position 712, one base deleted (A; older notation c.712delA).
Protein change: p.Ile238fs; shifts the reading frame from isoleucine 238.
Molecular consequence: frameshift variant.
Genome position (GRCh38, 1-based): chr3:101,732,638, A deleted. VCF-style (leftmost placement, unchanged base first): chr3-101732637-GA-G. GRCh37 (hg19) VCF-style: chr3-101451481-GA-G.
Other names: c.712del, p.Ile238fs (NM_001303401.2); c.610del, p.Ile204fs (NM_001410784.1, NM_001410785.1); short protein forms I238fs, I204fs.
Identifiers: ClinVar variation 3649088 (VCV003649088.2).